The following is an entry in ClinVar:

NM_004415.4(DSP):c.6669A>T (p.Val2223=)

Gene: DSP (desmoplakin; plus strand). Cytogenetic location: 6p24.3.
Variant type: single nucleotide variant.
Coding change: c.6669A>T on transcript NM_004415.4 (MANE Select); coding-DNA position 6669, A replaced by T.
Protein change: p.Val2223=; no amino-acid change (valine 2223 retained).
Molecular consequence: synonymous variant.
Genome position (GRCh38, 1-based): chr6:7,583,931, A>T. VCF-style: chr6-7583931-A-T. GRCh37 (hg19) VCF-style: chr6-7584164-A-T.
Other names: c.4872A>T, p.Val1624= (NM_001008844.3); c.5340A>T, p.Val1780= (NM_001319034.2).
Identifiers: ClinVar variation 1754762 (VCV001754762.5), dbSNP rs1759544387, ClinGen allele CA448715940.

ClinVar aggregate classification (germline): Likely benign. Review status: criteria provided, multiple submitters, no conflicts (2 of 4 stars). 3 submissions from 3 submitters: Likely benign (3). Last evaluated 2024-11-16.

Conditions:
Arrhythmogenic cardiomyopathy with wooly hair and keratoderma. Also called: PALMOPLANTAR KERATODERMA WITH LEFT VENTRICULAR CARDIOMYOPATHY AND WOOLLY HAIR; Carvajal syndrome; Dilated cardiomyopathy with woolly hair and keratoderma; Arrhythmogenic cardiomyopathy with woolly hair and keratoderma. Identifiers: Orphanet 65282, MedGen C1854063, MONDO:0011581, OMIM 605676.
Arrhythmogenic right ventricular dysplasia 8 (ARVD8). Also called: Arrhythmogenic Right Ventricular Dysplasia/Cardiomyopathy 8; ARRHYTHMOGENIC RIGHT VENTRICULAR DYSPLASIA, FAMILIAL, 8; ARRHYTHMOGENIC RIGHT VENTRICULAR CARDIOMYOPATHY 8. Identifiers: MedGen C1843896, MONDO:0011831, OMIM 607450.
Cardiovascular phenotype. Identifiers: MedGen CN230736.

Allele frequency attached by ClinVar (database versions not stated): gnomAD 0.00001.
gnomAD v4.1: 2 of 1,614,052 alleles (0.00012%); highest among the groups gnomAD compares: Non-Finnish European, 0.000085%; no homozygotes.

Submissions (3):

Labcorp Genetics (formerly Invitae), Labcorp
Classification: Likely benign for Arrhythmogenic cardiomyopathy with wooly hair and keratoderma; Arrhythmogenic right ventricular dysplasia 8. Last evaluated: 2024-11-16. Review status: criteria provided, single submitter. Criteria: Invitae Variant Classification Sherloc (09022015). Collection method: clinical testing. Allele origin: germline.

All of Us Research Program, National Institutes of Health
Classification: Likely benign for Arrhythmogenic cardiomyopathy with wooly hair and keratoderma. Last evaluated: 2024-03-14. Review status: criteria provided, single submitter. Criteria: ACMG Guidelines, 2015. Collection method: clinical testing. Allele origin: germline. Inheritance: Autosomal dominant inheritance. Observed: 1 variant allele, 1 heterozygote.
Comment: This study involves interpretation of variants in research participants for the purpose of population health screening. Participant phenotype was not available at the time of variant classification. Additional details can be found in publication PMID: 35346344, PMCID: PMC8962531

Ambry Genetics
Classification: Likely benign for Cardiovascular phenotype. Last evaluated: 2019-10-20. Review status: criteria provided, single submitter. Criteria: Ambry Variant Classification Scheme 2023. Collection method: clinical testing. Allele origin: germline.